The following is an entry in ClinVar:

ClinVar aggregate classification (germline): Uncertain significance (1 of 4 stars; one submission).

Submission:

Labcorp Genetics (formerly Invitae), Labcorp
Classification: Uncertain significance. Last evaluated: 2025-01-28. Review status: criteria provided, single submitter. Criteria: Invitae Variant Classification Sherloc (09022015). Collection method: clinical testing. Allele origin: germline.
Comment: This sequence change creates a premature translational stop signal (p.Gln504Argfs*33) in the FAM186B gene. It is expected to result in an absent or disrupted protein product. However, the current clinical and genetic evidence is not sufficient to establish whether loss-of-function variants in FAM186B cause disease. This variant is not present in population databases (gnomAD no frequency). This variant has not been reported in the literature in individuals affected with FAM186B-related conditions. In summary, the available evidence is currently insufficient to determine the role of this variant in disease. Therefore, it has been classified as a Variant of Uncertain Significance.

NM_032130.3(FAM186B):c.1510_1513del (p.Gln504fs)

Gene: FAM186B (family with sequence similarity 186 member B; minus strand). Cytogenetic location: 12q13.12.
Variant type: Deletion.
Coding change: c.1510_1513del on transcript NM_032130.3 (MANE Select); coding-DNA positions 1510 to 1513, 4 bases deleted (CAGA; older notation c.1510_1513delCAGA).
Protein change: p.Gln504fs; shifts the reading frame from glutamine 504.
Molecular consequence: frameshift variant. On other transcripts: non-coding transcript variant (1).
Genome position (GRCh38, 1-based): chr12:49,600,127-49,600,130, TCTG deleted on the plus strand (CAGA on the coding strand, the reverse complement: FAM186B is on the minus strand). VCF-style (leftmost placement, unchanged base first): chr12-49600126-TTCTG-T. GRCh37 (hg19) VCF-style: chr12-49993909-TTCTG-T.
Other names: short protein forms Q504fs.
Identifiers: ClinVar variation 3729315 (VCV003729315.2).
Genomic context (GRCh38, chr12:49,600,126, plus strand): 5'-TCTTCCAGATTCCACTGCCGCAGCTTCTCCTGATGCTCCTGCTCCAGCAGGGCCCACTTC[TTCTG>T]CCGCTGCTGCCACATCTCCTCCTCCTCCAGCCACAGCTGCCTCCGCATCTCCCGGCCGAA-3'